The following is an entry in ClinVar:

NM_000489.6(ATRX):c.5957-1G>A

Gene: ATRX (ATRX chromatin remodeler; minus strand). Cytogenetic location: Xq21.1.
Variant type: single nucleotide variant.
Coding change: c.5957-1G>A on transcript NM_000489.6 (MANE Select); the canonical splice acceptor site of the intron before coding-DNA position 5957, G replaced by A.
Molecular consequence: splice acceptor variant.
Genome position (GRCh38, 1-based): chrX:77,593,850, C>T on the plus strand (G>A on the coding strand, the complement: ATRX is on the minus strand). VCF-style: chrX-77593850-C-T. GRCh37 (hg19) VCF-style: chrX-76849320-C-T.
Other names: c.5843-1G>A (NM_138270.5).
Identifiers: ClinVar variation 280755 (VCV000280755.2), dbSNP rs886041903, ClinGen allele CA10603508.

ClinVar aggregate classification (germline): Pathogenic (1 of 4 stars; one submission).

Submission:

GeneDx
Classification: Pathogenic. Last evaluated: 2016-07-26. Review status: criteria provided, single submitter. Criteria: GeneDx Variant Classification (06012015). Collection method: clinical testing. Allele origin: germline. Affected: yes.
Comment: The c.5957-1G>A pathogenic variant in the ATRX gene has not been reported previously as a pathogenic variant nor as a benign variant, to our knowledge. However, a different variant (c.5957-2A>G) affecting the same splice junction has been reported in the Human Gene Mutation Database in association with ATRX syndrome (Stenson et al., 2014). The c.5957-1G>A splice site variant destroys the canonical splice acceptor site in intron 25. It is predicted to cause abnormal gene splicing, either leading to an abnormal message that is subject to nonsense-mediated mRNA decay, or to an abnormal protein product if the message is used for protein translation. The c.5957-1G>A variant was not observed in approximately 6500 individuals of European and African American ancestry in the NHLBI Exome Sequencing Project, indicating it is not a common benign variant in these populations. We interpret c.5957-1G>A as a pathogenic variant.